The following is an entry in ClinVar:

NM_001399.5(EDA):c.595_613del (p.Pro199fs)

Gene: EDA (ectodysplasin A; plus strand). Cytogenetic location: Xq13.1.
Variant type: Deletion.
Coding change: c.595_613del on transcript NM_001399.5 (MANE Select); coding-DNA positions 595 to 613, 19 bases deleted (CCCCCAGGAATTCCAGGGA).
Protein change: p.Pro199fs; shifts the reading frame from proline 199.
Molecular consequence: frameshift variant.
Genome position (GRCh38, 1-based): chrX:70,027,925-70,027,943, CCCCCAGGAATTCCAGGGA deleted; deleting any 19 consecutive bases within chrX:70,027,918-70,027,943 gives the same sequence; the c. name uses the placement nearest the transcript's 3' end. VCF-style (leftmost placement, unchanged base first): chrX-70027917-CCCAGGGACCCCCAGGAATT-C. GRCh37 (hg19) VCF-style: chrX-69247767-CCCAGGGACCCCCAGGAATT-C.
Other names: c.595_613del, p.Pro199fs (NM_001005609.2, NM_001005612.3); c.588_606delCCAGGGACCCCCAGGAATT (NM_001399.5); short protein forms P199fs.
Identifiers: ClinVar variation 1455505 (VCV001455505.7), dbSNP rs2147509712, ClinGen allele CA2573159013.

ClinVar aggregate classification (germline): Pathogenic. Review status: criteria provided, multiple submitters, no conflicts (2 of 4 stars). 2 submissions from 2 submitters: Pathogenic (2). Last evaluated 2023-02-18.

Conditions:
Hypohidrotic X-linked ectodermal dysplasia (XHED). Also called: Christ-Siemans-Touraine syndrome; ECTODERMAL DYSPLASIA 1; ECTODERMAL DYSPLASIA 1, HYPOHIDROTIC, X-LINKED; ECTODERMAL DYSPLASIA 1, HYPOHIDROTIC/HAIR/TOOTH TYPE, X-LINKED; Anhidrotic ectodermal dysplasia X-linked; Christ Siemens Touraine syndrome. Identifiers: Orphanet 181, Orphanet 238468, MedGen C0162359, MONDO:0010585, OMIM 305100.

Submissions (2):

Labcorp Genetics (formerly Invitae), Labcorp
Classification: Pathogenic for Hypohidrotic X-linked ectodermal dysplasia. Last evaluated: 2023-02-18. Review status: criteria provided, single submitter. Criteria: Invitae Variant Classification Sherloc (09022015). Collection method: clinical testing. Allele origin: germline.
Comment: This variant is also known as 595–613 del19 (199–204del, FS205). This premature translational stop signal has been observed in individual(s) with ectodermal dysplasia (PMID: 11279189, 35023123). This variant is not present in population databases (gnomAD no frequency). This sequence change creates a premature translational stop signal (p.Pro199Phefs*75) in the EDA gene. It is expected to result in an absent or disrupted protein product. Loss-of-function variants in EDA are known to be pathogenic (PMID: 9683615). ClinVar contains an entry for this variant (Variation ID: 1455505). For these reasons, this variant has been classified as Pathogenic.

Department of Prosthodontics, Peking University School and Hospital of Stomatology
Classification: Pathogenic for Hypohidrotic X-linked ectodermal dysplasia. Last evaluated: 2022-08-16. Review status: criteria provided, single submitter. Criteria: ACMG Guidelines, 2015. Collection method: research. Allele origin: unknown. Affected: yes.

Literature cited by the submitters: PubMed 11279189 (cited by Labcorp Genetics (formerly Invitae), Labcorp); PubMed 35023123 (cited by Labcorp Genetics (formerly Invitae), Labcorp); PubMed 9683615 (cited by Labcorp Genetics (formerly Invitae), Labcorp).